The following is an entry in ClinVar:

ClinVar aggregate classification (germline): Uncertain significance (1 of 4 stars; one submission).

Conditions:
Autosomal dominant nonsyndromic hearing loss 1. Also called: KONIGSMARK SYNDROME; DEAFNESS, AUTOSOMAL DOMINANT 1, WITH OR WITHOUT THROMBOCYTOPENIA. Identifiers: Orphanet 90635, MedGen C1852282, MONDO:0007424, OMIM 124900.
Progressive microcephaly-seizures-cortical blindness-developmental delay syndrome. Also called: Seizures, cortical blindness, and microcephaly syndrome. Identifiers: Orphanet 477814, MedGen C5567650, MONDO:0014714, OMIM 616632.

Submission:

Labcorp Genetics (formerly Invitae), Labcorp
Classification: Uncertain significance for Progressive microcephaly-seizures-cortical blindness-developmental delay syndrome; Autosomal dominant nonsyndromic hearing loss 1. Last evaluated: 2022-07-12. Review status: criteria provided, single submitter. Criteria: Invitae Variant Classification Sherloc (09022015). Collection method: clinical testing. Allele origin: germline.
Comment: This variant has not been reported in the literature in individuals affected with DIAPH1-related conditions. This sequence change replaces aspartic acid, which is acidic and polar, with glutamic acid, which is acidic and polar, at codon 32 of the DIAPH1 protein (p.Asp32Glu). This variant is not present in population databases (gnomAD no frequency). ClinVar contains an entry for this variant (Variation ID: 1404314). Algorithms developed to predict the effect of missense changes on protein structure and function are either unavailable or do not agree on the potential impact of this missense change (SIFT: "Deleterious"; PolyPhen-2: "Not Available"; Align-GVGD: "Class C0"). In summary, the available evidence is currently insufficient to determine the role of this variant in disease. Therefore, it has been classified as a Variant of Uncertain Significance.

NM_005219.5(DIAPH1):c.96C>A (p.Asp32Glu)

Gene: DIAPH1 (diaphanous related formin 1; minus strand). Cytogenetic location: 5q31.3.
Variant type: single nucleotide variant.
Coding change: c.96C>A on transcript NM_005219.5 (MANE Select); coding-DNA position 96, C replaced by A.
Protein change: p.Asp32Glu; replaces aspartic acid 32 with glutamic acid.
Molecular consequence: missense variant.
Genome position (GRCh38, 1-based): chr5:141,618,819, G>T on the plus strand (C>A on the coding strand, the complement: DIAPH1 is on the minus strand). VCF-style: chr5-141618819-G-T. GRCh37 (hg19) VCF-style: chr5-140998386-G-T.
Other names: c.96C>A, p.Asp32Glu (NM_001079812.3, NM_001314007.2); short protein forms D32E.
Identifiers: ClinVar variation 1404314 (VCV001404314.6), dbSNP rs1291832340, ClinGen allele CA361508399.